The following is an entry in ClinVar:

ClinVar aggregate classification (germline): Uncertain significance. Review status: criteria provided, multiple submitters, no conflicts (2 of 4 stars). 2 submissions from 2 submitters: Uncertain significance (2). Last evaluated 2021-10-06.

Conditions:
Rienhoff syndrome. Also called: LOEYS-DIETZ SYNDROME 5. Identifiers: MedGen C3810012, MONDO:0014262, OMIM 615582.
Familial thoracic aortic aneurysm and aortic dissection (TAAD). Also called: Thoracic aortic aneurysms and dissections. Identifiers: Orphanet 91387, MedGen C4707243, MONDO:0019625.

Submissions (2):

Ambry Genetics
Classification: Uncertain significance for Familial thoracic aortic aneurysm and aortic dissection. Last evaluated: 2021-10-06. Review status: criteria provided, single submitter. Criteria: Ambry Variant Classification Scheme 2023. Collection method: clinical testing. Allele origin: germline.
Comment: The p.C316R variant (also known as c.946T>C), located in coding exon 6 of the TGFB3 gene, results from a T to C substitution at nucleotide position 946. The cysteine at codon 316 is replaced by arginine, an amino acid with highly dissimilar properties. This amino acid position is conserved. In addition, this alteration is predicted to be deleterious by in silico analysis. Since supporting evidence is limited at this time, the clinical significance of this alteration remains unclear.

Labcorp Genetics (formerly Invitae), Labcorp
Classification: Uncertain significance for Rienhoff syndrome. Last evaluated: 2020-10-30. Review status: criteria provided, single submitter. Criteria: Invitae Variant Classification Sherloc (09022015). Collection method: clinical testing. Allele origin: germline.
Comment: This sequence change replaces cysteine with arginine at codon 316 of the TGFB3 protein (p.Cys316Arg). The cysteine residue is highly conserved and there is a large physicochemical difference between cysteine and arginine. This variant is not present in population databases (ExAC no frequency). This variant has not been reported in the literature in individuals with TGFB3-related conditions. Algorithms developed to predict the effect of missense changes on protein structure and function are either unavailable or do not agree on the potential impact of this missense change (SIFT: "Deleterious"; PolyPhen-2: "Probably Damaging"; Align-GVGD: "Class C0"). In summary, the available evidence is currently insufficient to determine the role of this variant in disease. Therefore, it has been classified as a Variant of Uncertain Significance.

NM_003239.5(TGFB3):c.946T>C (p.Cys316Arg)

Gene: TGFB3 (transforming growth factor beta 3; minus strand). Cytogenetic location: 14q24.3.
Variant type: single nucleotide variant.
Coding change: c.946T>C on transcript NM_003239.5 (MANE Select); coding-DNA position 946, T replaced by C.
Protein change: p.Cys316Arg; replaces cysteine 316 with arginine.
Molecular consequence: missense variant.
Genome position (GRCh38, 1-based): chr14:75,961,057, A>G on the plus strand (T>C on the coding strand, the complement: TGFB3 is on the minus strand). VCF-style: chr14-75961057-A-G. GRCh37 (hg19) VCF-style: chr14-76427400-A-G.
Other names: c.946T>C, p.Cys316Arg (NM_001329939.2); short protein forms C316R.
Identifiers: ClinVar variation 1006582 (VCV001006582.11), dbSNP rs2035150933, ClinGen allele CA390468061.
Genomic context (GRCh38, chr14:75,961,057, plus strand): 5'-GTTCATGGACCCACTTCCAGCCCAGATCCTGTCGGAAGTCAATGTAGAGGGGGCGCACAC[A>G]GCAGTTCTCCTCCAAGTTGCTACAACAAAAAACATTTATAGAAAATCAACTTAAAACCAC-3'
Protein context (NP_003230.1, residues 306-326): YCFRNLEENC[Cys316Arg]VRPLYIDFRQ